The following is an entry in ClinVar:

ClinVar aggregate classification (germline): Uncertain significance (1 of 4 stars; one submission).

Submission:

Labcorp Genetics (formerly Invitae), Labcorp
Classification: Uncertain significance. Last evaluated: 2025-09-24. Review status: criteria provided, single submitter. Criteria: Invitae Variant Classification Sherloc (09022015). Collection method: clinical testing. Allele origin: germline.
Comment: This sequence change falls in intron 20 of the KIF5B gene. It does not directly change the encoded amino acid sequence of the KIF5B protein. It affects a nucleotide within the consensus splice site. This variant is not present in population databases (gnomAD no frequency). This variant has not been reported in the literature in individuals affected with KIF5B-related conditions. Variants that disrupt the consensus splice site are a relatively common cause of aberrant splicing (PMID: 17576681, 9536098). Algorithms developed to predict the effect of sequence changes on RNA splicing suggest that this variant may disrupt the consensus splice site. In summary, the available evidence is currently insufficient to determine the role of this variant in disease. Therefore, it has been classified as a Variant of Uncertain Significance.

Literature cited by the submitters: PubMed 17576681; PubMed 9536098.

NM_004521.3(KIF5B):c.2306+5G>C

Gene: KIF5B (kinesin family member 5B; minus strand). Cytogenetic location: 10p11.22.
Variant type: single nucleotide variant.
Coding change: c.2306+5G>C on transcript NM_004521.3 (MANE Select); 5 bases into the intron after coding-DNA position 2306, G replaced by C.
Molecular consequence: intron variant.
Genome position (GRCh38, 1-based): chr10:32,019,853, C>G on the plus strand (G>C on the coding strand, the complement: KIF5B is on the minus strand). VCF-style: chr10-32019853-C-G. GRCh37 (hg19) VCF-style: chr10-32308781-C-G.
Identifiers: ClinVar variation 4727798 (VCV004727798.1).